The following is an entry in ClinVar:

NM_002303.6(LEPR):c.1744C>T (p.Gln582Ter)

Gene: LEPR (leptin receptor; plus strand). Cytogenetic location: 1p31.3.
Variant type: single nucleotide variant.
Coding change: c.1744C>T on transcript NM_002303.6 (MANE Select); coding-DNA position 1744, C replaced by T.
Protein change: p.Gln582Ter; replaces glutamine 582 with a stop codon.
Molecular consequence: nonsense.
Genome position (GRCh38, 1-based): chr1:65,608,893, C>T. VCF-style: chr1-65608893-C-T. GRCh37 (hg19) VCF-style: chr1-66074576-C-T.
Other names: c.1744C>T, p.Gln582Ter (NM_001003679.3, NM_001003680.3, NM_001198687.2 and 2 more transcripts); short protein forms Q582*.
Identifiers: ClinVar variation 4990430 (VCV004990430.1).
Genomic context (GRCh38, chr1:65,608,893, plus strand): 5'-GTCTTTCCAGAGAATAACCTTCAATTCCAGATTCGCTATGGTTTAAGTGGAAAAGAAGTA[C>T]AATGGAAGGTACCTTTTACTTAGAACTTCAGCTTTCCTCATTAAATGCTATTTTTATAAT-3'

ClinVar aggregate classification (germline): Likely pathogenic (1 of 4 stars; one submission).

Conditions:
LEPR-related disorder. Also called: LEPR-related condition; LEPR-related disorders.

Submission:

PreventionGenetics, part of Exact Sciences
Classification: Likely pathogenic for LEPR-related condition. Last evaluated: 2026-09-08. Review status: criteria provided, single submitter. Criteria: ACMG Guidelines, 2015. Collection method: clinical testing. Allele origin: germline.
Comment: The LEPR c.1744C>T variant is predicted to result in premature protein termination (p.Gln582*). To our knowledge, this variant has not been reported in the literature or in a large population database (gnomAD), indicating this variant is rare. Nonsense variants in LEPR are expected to be pathogenic. This variant is interpreted as likely pathogenic.